The following is an entry in ClinVar:

NM_172240.3(POC1B):c.1129G>A (p.Gly377Ser)

Genes: POC1B (POC1 centriolar protein B; minus strand), POC1B-DUSP6 (POC1B-DUSP6 readthrough; minus strand). Cytogenetic location: 12q21.33.
Variant type: single nucleotide variant.
Coding change: c.1129G>A on transcript NM_172240.3 (MANE Select); coding-DNA position 1129, G replaced by A.
Protein change: p.Gly377Ser; replaces glycine 377 with serine.
Molecular consequence: missense variant. On other transcripts: non-coding transcript variant (2).
Genome position (GRCh38, 1-based): chr12:89,425,364, C>T on the plus strand (G>A on the coding strand, the complement: POC1B is on the minus strand). VCF-style: chr12-89425364-C-T. GRCh37 (hg19) VCF-style: chr12-89819141-C-T.
Other names: c.1129G>A (NM_172240.2); c.1003G>A, p.Gly335Ser (NM_001199777.2); short protein forms G335S, G377S.
Identifiers: ClinVar variation 2135630 (VCV002135630.5), dbSNP rs2540365137, ClinGen allele CA385986153.

ClinVar aggregate classification (germline): Uncertain significance. Review status: criteria provided, multiple submitters, no conflicts (2 of 4 stars). 2 submissions from 2 submitters: Uncertain significance (2). Last evaluated 2026-01-26.

Conditions:
Inborn genetic diseases. Identifiers: MedGen C0950123, MeSH D030342.

Submissions (2):

Labcorp Genetics (formerly Invitae), Labcorp
Classification: Uncertain significance. Last evaluated: 2026-01-26. Review status: criteria provided, single submitter. Criteria: Invitae Variant Classification Sherloc (09022015). Collection method: clinical testing. Allele origin: germline.
Comment: This sequence change replaces glycine, which is neutral and non-polar, with serine, which is neutral and polar, at codon 377 of the POC1B protein (p.Gly377Ser). This variant is not present in population databases (gnomAD no frequency). This variant has not been reported in the literature in individuals affected with POC1B-related conditions. ClinVar contains an entry for this variant (Variation ID: 2135630). An algorithm developed to predict the effect of missense changes on protein structure and function (PolyPhen-2) suggests that this variant is likely to be tolerated. In summary, the available evidence is currently insufficient to determine the role of this variant in disease. Therefore, it has been classified as a Variant of Uncertain Significance.

Ambry Genetics
Classification: Uncertain significance for Inborn genetic diseases. Last evaluated: 2025-04-14. Review status: criteria provided, single submitter. Criteria: Ambry Variant Classification Scheme 2023. Collection method: clinical testing. Allele origin: germline.